The following is an entry in ClinVar:

NM_000289.6(PFKM):c.2003del (p.Pro668fs)

Gene: PFKM (phosphofructokinase, muscle; plus strand). Cytogenetic location: 12q13.11.
Variant type: Deletion.
Coding change: c.2003del on transcript NM_000289.6 (MANE Select); coding-DNA position 2003, one base deleted (C; older notation c.2003delC).
Protein change: p.Pro668fs; shifts the reading frame from proline 668.
Molecular consequence: frameshift variant. On other transcripts: non-coding transcript variant (6).
Genome position (GRCh38, 1-based): chr12:48,145,041, C deleted; the last of 3 consecutive C bases (chr12:48,145,039-48,145,041); deleting any one gives the same sequence. VCF-style (leftmost placement, unchanged base first): chr12-48145038-GC-G. GRCh37 (hg19) VCF-style: chr12-48538821-GC-G.
Other names: c.2003del (NM_000289.5); c.2216del, p.Pro739fs (NM_001166686.2, NM_001354737.1, NM_001354738.1 and 1 more transcripts); c.2003del, p.Pro668fs (NM_001166687.2, NM_001166688.2, NM_001354742.2 and 2 more transcripts); c.2312del, p.Pro771fs (NM_001354735.1, NM_001354736.1); c.2147del, p.Pro716fs (NM_001354740.1); c.2027del, p.Pro676fs (NM_001354741.2); c.1916del, p.Pro639fs (NM_001354745.2); c.1877del, p.Pro626fs (NM_001354746.2); and 3 more; short protein forms P618fs, P676fs, P626fs, P739fs, P637fs, P639fs, P668fs, P716fs.
Identifiers: ClinVar variation 632192 (VCV000632192.31), dbSNP rs767095759, ClinGen allele CA6537511.

ClinVar aggregate classification (germline): Pathogenic. Review status: criteria provided, multiple submitters, no conflicts (2 of 4 stars). 9 submissions from 9 submitters: Pathogenic (8). 1 of the submissions does not count toward it. Last evaluated 2026-02-04.

Conditions:
Glycogen storage disease, type VII (GSD7). Also called: GSD VII; MUSCLE PHOSPHOFRUCTOKINASE DEFICIENCY; PFKM DEFICIENCY; TARUI DISEASE. Identifiers: Orphanet 371, MedGen C0017926, MONDO:0009295, OMIM 232800.
Glycogen storage disease. Also called: glycogen storage disorder; Disorder of glycogen metabolism. Identifiers: Orphanet 79201, MedGen C0017919, MONDO:0002412.

Submissions (9):

Labcorp Genetics (formerly Invitae), Labcorp
Classification: Pathogenic for Glycogen storage disease, type VII. Last evaluated: 2026-02-04. Review status: criteria provided, single submitter. Criteria: Invitae Variant Classification Sherloc (09022015). Collection method: clinical testing. Allele origin: germline.
Comment: This sequence change creates a premature translational stop signal (p.Pro668Glnfs*17) in the PFKM gene. It is expected to result in an absent or disrupted protein product. Loss-of-function variants in PFKM are known to be pathogenic (PMID: 7825568, 8037209). This variant is present in population databases (rs767095759, gnomAD 0.3%). This premature translational stop signal has been observed in individuals with phosphofructokinase (PFK) deficiency and PFK deficiency (PMID: 8037209). It has also been observed to segregate with disease in related individuals. ClinVar contains an entry for this variant (Variation ID: 632192). For these reasons, this variant has been classified as Pathogenic.

Natera, Inc.
Classification: Pathogenic for Glycogen storage disease type VII. Last evaluated: 2025-12-06. Review status: criteria provided, single submitter. Criteria: Natera Variant Classification Schema (03/2026). Collection method: clinical testing. Allele origin: germline.
Comment: The c.2003delC variant in PFKM is a frameshift variant predicted to shift the reading frame beginning at codon 668 and leads to a stop codon 17 codons downstream. This variant is expected to result in nonsense mediated decay, truncation, or a dysfunctional protein product. This variant has been observed in one or more individuals affected with the associated recessive disease, as either homozygous or compound heterozygous with a second variant (PMID: 8037209). Additionally, this variant has been observed to segregate in affected family members (PMID: 8037209). Given the available evidence, this variant is classified as Pathogenic.

Fulgent Genetics
Classification: Pathogenic for Glycogen storage disease, type VII. Last evaluated: 2024-03-06. Review status: criteria provided, single submitter. Criteria: ACMG Guidelines, 2015. Collection method: clinical testing. Allele origin: germline.

Revvity Omics, Revvity
Classification: Pathogenic for Glycogen storage disease, type VII. Last evaluated: 2023-05-18. Review status: criteria provided, single submitter. Criteria: ACMG Guidelines, 2015. Collection method: clinical testing. Allele origin: germline.

GeneDx
Classification: Pathogenic. Last evaluated: 2022-06-01. Review status: criteria provided, single submitter. Criteria: GeneDx Variant Classification Process June 2021. Collection method: clinical testing. Allele origin: germline. Affected: yes.
Comment: Frameshift variant predicted to result in protein truncation or nonsense mediated decay in a gene for which loss of function is a known mechanism of disease; This variant is associated with the following publications: (PMID: 8037209)

ARUP Laboratories, Molecular Genetics and Genomics, ARUP Laboratories
Classification: Pathogenic for Glycogen storage disease, type VII. Last evaluated: 2020-12-03. Review status: criteria provided, single submitter. Criteria: ARUP Molecular Germline Variant Investigation Process 2021. Collection method: clinical testing. Allele origin: germline.

Illumina Laboratory Services, Illumina
Classification: Pathogenic for Glycogen storage disease, type VII. Last evaluated: 2018-12-11. Review status: criteria provided, single submitter. Criteria: ICSL Variant Classification Criteria 09 May 2019. Collection method: clinical testing. Allele origin: germline.
Comment: The PFKM c.2003delC (p.Pro668GlnfsTer17) variant results in a frameshift and is predicted to result in premature termination of the protein. The p.Pro668GlnfsTer17 variant has been reported in at least seven individuals of Ashkenazi Jewish descent with glycogen storage disease type VII, also referred to as PFK deficiency. The variant was observed in a homozygous state in two individuals and in a compound heterozygous state in five individuals, which includes one set of siblings and one father-son pair (Sherman et al. 1994; Vorgerd et al. 1996). In one family, affected siblings were both compound heterozygous for the p.Pro668GlnfsTer17 variant and a splice donor variant. Their unaffected father carried the splice donor variant and their unaffected mother and sister carried the p.Pro668GlnfsTer17 variant. This variant was absent from 250 Ashkenazi Jewish controls but is reported at a frequency of 0.00276 in the Ashkenazi Jewish population from the Genome Aggregation Database. In erythrocytes from individuals carrying the p.Pro668GlnfsTer17 variant, PFK enzyme activity was shown to be reduced by approximately 50% compared to wild type. Based on the potential impact of frameshift variants and evidence from the literature, the p.Pro668GlnfsTer17 variant is classified as pathogenic for glycogen storage disease type VII. This variant was observed by ICSL as part of a predisposition screen in an ostensibly healthy population.

Laboratory for Molecular Medicine, Mass General Brigham Personalized Medicine
Classification: Pathogenic for Glycogen storage disease. Last evaluated: 2018-07-17. Review status: criteria provided, single submitter. Criteria: LMM Criteria. Collection method: clinical testing. Allele origin: germline. Inheritance: Autosomal recessive inheritance. Observed: 1 variant allele.
Comment: The p.Pro739GlnfsX17 variant in PFKM has been reported in 5 Ashkenazi Jewish ind ividuals with glycogen storage disease type 7 in the homozygous or compound hete rozygous state and segregated with the disease in 2 affected relatives from 2 fa milies (Sherman 1994, Vorgerd 1996, Ristow 1997). This variant has been identifi ed in 0.3% (28/10150) of Ashkenazi Jewish chromosomes by the Genome Aggregation Database (gnomAD; dbSNP rs767095759). Although this variant has been seen in the general population, its frequency is not high enough to rule out a pathogenic role. In vitro studies provide some evidence th at the p.Pro739GlnfsX17 variant may impact protein function (Vorgerd 1996, Risto w 1997); however, these types of assays may not accurately represent biological function. This variant is predicted to cause a frameshift, which alters the prot ein?s amino acid sequence beginning at position 739 and leads to a premature ter mination codon 17 amino acids downstream. This alteration is then predicted to l ead to a truncated or absent protein. In summary, this variant meets criteria to be classified as pathogenic for glycogen storage disease type 7 in an autosomal recessive manner based upon presence in affected individuals, functional eviden ce, and predicted impact on protein. ACMG/AMP Criteria applied: PVS1_Strong; PM3 _Strong; PP1; PS3_Supporting

OMIM
Classification: Pathogenic for GLYCOGEN STORAGE DISEASE VII. Last evaluated: 1997-12-01. Review status: no assertion criteria provided. Collection method: literature only. Allele origin: germline. Not counted in ClinVar's aggregate classification.

Literature cited by the submitters: PubMed 7825568 (cited by Labcorp Genetics (formerly Invitae), Labcorp); PubMed 8037209 (cited by 5 submitters); PubMed 8880699 (cited by 3 submitters); PubMed 9389749 (cited by Laboratory for Molecular Medicine, Mass General Brigham Personalized Medicine and OMIM).